The following is an entry in ClinVar:

ClinVar aggregate classification (germline): Likely benign. Review status: criteria provided, multiple submitters, no conflicts (2 of 4 stars). 2 submissions from 2 submitters: Likely benign (2). Last evaluated 2026-01-07.

Conditions:
MLYCD-related disorder. Also called: MLYCD-related condition.
Deficiency of malonyl-CoA decarboxylase. Also called: Malonic aciduria; MCD deficiency. Identifiers: Orphanet 943, MedGen C0342793, MONDO:0009556, OMIM 248360.

Allele frequency attached by ClinVar (database versions not stated): gnomAD 0.00001; gnomAD exomes 0.00001; TOPMed 0.00001.
gnomAD v4.1: 13 of 1,614,078 alleles (0.00081%); highest among the groups gnomAD compares: African/African-American, 0.0013%; no homozygotes.

Submissions (2):

PreventionGenetics, part of Exact Sciences
Classification: Likely benign for MLYCD-related condition. Last evaluated: 2026-01-07. Review status: criteria provided, single submitter. Criteria: ACMG Guidelines, 2015. Collection method: clinical testing. Allele origin: germline.
Comment: This variant is classified as likely benign based on ACMG/AMP sequence variant interpretation guidelines (Richards et al. 2015 PMID: 25741868, with internal and published modifications).

Labcorp Genetics (formerly Invitae), Labcorp
Classification: Likely benign for Deficiency of malonyl-CoA decarboxylase. Last evaluated: 2024-02-03. Review status: criteria provided, single submitter. Criteria: Invitae Variant Classification Sherloc (09022015). Collection method: clinical testing. Allele origin: germline.

NM_012213.3(MLYCD):c.690C>T (p.Arg230=)

Gene: MLYCD (malonyl-CoA decarboxylase; plus strand). Cytogenetic location: 16q23.3.
Variant type: single nucleotide variant.
Coding change: c.690C>T on transcript NM_012213.3 (MANE Select); coding-DNA position 690, C replaced by T.
Protein change: p.Arg230=; no amino-acid change (arginine 230 retained).
Molecular consequence: synonymous variant.
Genome position (GRCh38, 1-based): chr16:83,908,174, C>T. VCF-style: chr16-83908174-C-T. GRCh37 (hg19) VCF-style: chr16-83941779-C-T.
Identifiers: ClinVar variation 2997750 (VCV002997750.4), dbSNP rs1218299029, ClinGen allele CA496754742.